The following is an entry in ClinVar:

ClinVar aggregate classification (germline): Uncertain significance (1 of 4 stars; one submission).

Submission:

Labcorp Genetics (formerly Invitae), Labcorp
Classification: Uncertain significance. Last evaluated: 2025-10-04. Review status: criteria provided, single submitter. Criteria: Invitae Variant Classification Sherloc (09022015). Collection method: clinical testing. Allele origin: germline.
Comment: This sequence change replaces glutamic acid, which is acidic and polar, with glycine, which is neutral and non-polar, at codon 2 of the NAF1 protein (p.Glu2Gly). This variant is not present in population databases (gnomAD no frequency). This variant has not been reported in the literature in individuals affected with NAF1-related conditions. An algorithm developed to predict the effect of missense changes on protein structure and function (PolyPhen-2) suggests that this variant is likely to be disruptive. In summary, the available evidence is currently insufficient to determine the role of this variant in disease. Therefore, it has been classified as a Variant of Uncertain Significance.

NM_138386.3(NAF1):c.5A>G (p.Glu2Gly)

Gene: NAF1 (nuclear assembly factor 1 ribonucleoprotein; minus strand). Cytogenetic location: 4q32.2.
Variant type: single nucleotide variant.
Coding change: c.5A>G on transcript NM_138386.3 (MANE Select); coding-DNA position 5, A replaced by G.
Protein change: p.Glu2Gly; replaces glutamic acid 2 with glycine.
Molecular consequence: missense variant.
Genome position (GRCh38, 1-based): chr4:163,166,723, T>C on the plus strand (A>G on the coding strand, the complement: NAF1 is on the minus strand). VCF-style: chr4-163166723-T-C. GRCh37 (hg19) VCF-style: chr4-164087875-T-C.
Other names: c.5A>G, p.Glu2Gly (NM_001128931.2); short protein forms E2G.
Identifiers: ClinVar variation 4727961 (VCV004727961.1).
Genomic context (GRCh38, chr4:163,166,723, plus strand): 5'-CCAAAGTCGGTGCCATTGAATTTCAGAGTTTCCAGCTGAGCGGCGGCGGCCTCCACTACC[T>C]CCATCGCACCGCGCCAGAAACCGGGTCGGCCTCAGGATTGGGGCCCCTGGACAAGCTCAC-3'
Protein context (NP_612395.2, residues 1-12): M[Glu2Gly]VVEAAAAQLE